The following is an entry in ClinVar:

ClinVar aggregate classification (germline): Pathogenic (1 of 4 stars; one submission).

Submission:

GeneDx
Classification: Pathogenic. Last evaluated: 2025-12-15. Review status: criteria provided, single submitter. Criteria: GeneDx Variant Classification Process June 2021. Collection method: clinical testing. Allele origin: germline.
Comment: Nonsense variant predicted to result in protein truncation or nonsense mediated decay in a gene for which loss of function is a known mechanism of disease; Not observed at significant frequency in large population cohorts (gnomAD); Has not been previously published as pathogenic or benign to our knowledge

NM_001378414.1(HDAC4):c.1336C>T (p.Gln446Ter)

Gene: HDAC4 (histone deacetylase 4; minus strand). Cytogenetic location: 2q37.3.
Variant type: single nucleotide variant.
Coding change: c.1336C>T on transcript NM_001378414.1 (MANE Select); coding-DNA position 1336, C replaced by T.
Protein change: p.Gln446Ter; replaces glutamine 446 with a stop codon.
Molecular consequence: nonsense.
Genome position (GRCh38, 1-based): chr2:239,126,653, G>A on the plus strand (C>T on the coding strand, the complement: HDAC4 is on the minus strand). VCF-style: chr2-239126653-G-A. GRCh37 (hg19) VCF-style: chr2-240048349-G-A.
Other names: c.1336C>T, p.Gln446Ter (NM_001378415.1); c.1321C>T, p.Gln441Ter (NM_001378416.1, NM_001378417.1, NM_001435996.1 and 1 more transcripts); c.1255C>T, p.Gln419Ter (NM_001435991.1, NM_001435992.1, NM_001435994.1); c.1177C>T, p.Gln393Ter (NM_001435993.1); c.1240C>T, p.Gln414Ter (NM_001435998.1); short protein forms Q393*, Q414*, Q419*, Q441*, Q446*.
Identifiers: ClinVar variation 4976696 (VCV004976696.1).